The following is an entry in ClinVar:

NM_017841.4(SDHAF2):c.313T>A (p.Tyr105Asn)

Gene: SDHAF2 (succinate dehydrogenase complex assembly factor 2; plus strand). Cytogenetic location: 11q12.2.
Variant type: single nucleotide variant.
Coding change: c.313T>A on transcript NM_017841.4 (MANE Select); coding-DNA position 313, T replaced by A.
Protein change: p.Tyr105Asn; replaces tyrosine 105 with asparagine.
Molecular consequence: missense variant.
Genome position (GRCh38, 1-based): chr11:61,438,056, T>A. VCF-style: chr11-61438056-T-A. GRCh37 (hg19) VCF-style: chr11-61205528-T-A.
Other names: short protein forms Y105N.
Identifiers: ClinVar variation 463823 (VCV000463823.16), dbSNP rs1485358364, ClinGen allele CA380684128.

ClinVar aggregate classification (germline): Uncertain significance. Review status: criteria provided, multiple submitters, no conflicts (2 of 4 stars). 5 submissions from 5 submitters: Uncertain significance (5). Last evaluated 2025-11-22.

Conditions:
Hereditary cancer-predisposing syndrome. Also called: Neoplastic Syndromes, Hereditary; Hereditary neoplastic syndrome; Tumor predisposition; Hereditary Cancer Syndrome. Identifiers: Orphanet 140162, MedGen C0027672, MeSH D009386, MONDO:0015356.
Hereditary pheochromocytoma and paraganglioma. Also called: Hereditary Paraganglioma-Pheochromocytoma Syndromes; Hereditary paragangliomas and pheochromocytomas; Hereditary pheochromocytoma-paraganglioma. Identifiers: Orphanet 29072, MedGen C4274332, MONDO:0017366.
Pheochromocytoma/paraganglioma syndrome 2. Also called: SDHAF2-Related Hereditary Paraganglioma-Pheochromocytoma Syndrome (Paragangliomas 2); SDHAF2-Related Hereditary Paraganglioma-Pheochromocytoma Syndrome; GLOMUS TUMORS, FAMILIAL, 2; Paragangliomas 2. Identifiers: Orphanet 29072, MedGen C1866552, MONDO:0011121, OMIM 601650.

Allele frequency attached by ClinVar (database versions not stated): gnomAD exomes 0.00001 and 0.00002.
gnomAD v4.1: 5 of 1,614,158 alleles (0.00031%); highest among the groups gnomAD compares: Admixed American, 0.0083%; no homozygotes.

Submissions (5):

Labcorp Genetics (formerly Invitae), Labcorp
Classification: Uncertain significance for Hereditary pheochromocytoma and paraganglioma. Last evaluated: 2025-11-22. Review status: criteria provided, single submitter. Criteria: Invitae Variant Classification Sherloc (09022015). Collection method: clinical testing. Allele origin: germline.
Comment: This sequence change replaces tyrosine, which is neutral and polar, with asparagine, which is neutral and polar, at codon 105 of the SDHAF2 protein (p.Tyr105Asn). This variant is present in population databases (no rsID available, gnomAD 0.01%). This variant has not been reported in the literature in individuals affected with SDHAF2-related conditions. ClinVar contains an entry for this variant (Variation ID: 463823). An algorithm developed to predict the effect of missense changes on protein structure and function (PolyPhen-2) suggests that this variant is likely to be disruptive. In summary, the available evidence is currently insufficient to determine the role of this variant in disease. Therefore, it has been classified as a Variant of Uncertain Significance.

Quest Diagnostics Nichols Institute San Juan Capistrano
Classification: Uncertain significance. Last evaluated: 2025-07-30. Review status: criteria provided, single submitter. Criteria: Quest Diagnostics criteria. Collection method: clinical testing. Allele origin: unknown.
Comment: The SDHAF2 c.313T>A (p.Tyr105Asn) variant has not been reported in individuals with SDHAF2-related conditions in the published literature. The frequency of this variant in the general population (Genome Aggregation Database) is higher than would generally be expected for pathogenic variants in this gene. Analysis of this variant using bioinformatics tools for the prediction of the effect of amino acid changes on protein structure and function yielded predictions that this variant is damaging. Based on the available information, we are unable to determine the clinical significance of this variant.

Ambry Genetics
Classification: Uncertain significance for Hereditary cancer-predisposing syndrome. Last evaluated: 2025-01-17. Review status: criteria provided, single submitter. Criteria: Ambry Variant Classification Scheme 2023. Collection method: clinical testing. Allele origin: germline.
Comment: The p.Y105N variant (also known as c.313T>A), located in coding exon 3 of the SDHAF2 gene, results from a T to A substitution at nucleotide position 313. The tyrosine at codon 105 is replaced by asparagine, an amino acid with dissimilar properties. This amino acid position is highly conserved in available vertebrate species. In addition, this alteration is predicted to be deleterious by in silico analysis. Since supporting evidence is limited at this time, the clinical significance of this alteration remains unclear.

All of Us Research Program, National Institutes of Health
Classification: Uncertain significance for Hereditary pheochromocytoma and paraganglioma. Last evaluated: 2024-04-16. Review status: criteria provided, single submitter. Criteria: ACMG Guidelines, 2015. Collection method: clinical testing. Allele origin: germline. Inheritance: Autosomal dominant inheritance. Observed: 3 variant alleles, 3 heterozygotes.
Comment: This missense variant replaces tyrosine with asparagine at codon 105 of the SDHAF2 protein. Computational prediction suggests that this variant may have deleterious impact on protein structure and function (internally defined REVEL score threshold >= 0.7, PMID: 27666373). To our knowledge, functional studies have not been reported for this variant. This variant has not been reported in individuals affected with SDHAF2-related disorders in the literature. This variant has been identified in 4/251484 chromosomes in the general population by the Genome Aggregation Database (gnomAD). The available evidence is insufficient to determine the role of this variant in disease conclusively. Therefore, this variant is classified as a Variant of Uncertain Significance.

This study involves interpretation of variants in research participants for the purpose of population health screening. Participant phenotype was not available at the time of variant classification. Additional details can be found in publication PMID: 35346344, PMCID: PMC8962531

Baylor Genetics
Classification: Uncertain significance for Pheochromocytoma/paraganglioma syndrome 2. Last evaluated: 2023-08-25. Review status: criteria provided, single submitter. Criteria: ACMG Guidelines, 2015. Collection method: clinical testing. Allele origin: unknown.